The following is an entry in ClinVar:

ClinVar aggregate classification (germline): Uncertain significance (1 of 4 stars; one submission).

Allele frequency attached by ClinVar (database versions not stated): gnomAD exomes below 0.00001; ExAC 0.00002.
gnomAD v4.1: 7 of 1,609,630 alleles (0.00043%); highest among the groups gnomAD compares: South Asian, 0.0055%; no homozygotes.

Submission:

Labcorp Genetics (formerly Invitae), Labcorp
Classification: Uncertain significance. Last evaluated: 2022-04-29. Review status: criteria provided, single submitter. Criteria: Invitae Variant Classification Sherloc (09022015). Collection method: clinical testing. Allele origin: germline.
Comment: In summary, the available evidence is currently insufficient to determine the role of this variant in disease. Therefore, it has been classified as a Variant of Uncertain Significance. Algorithms developed to predict the effect of missense changes on protein structure and function output the following: SIFT: "Tolerated"; PolyPhen-2: "Not Available"; Align-GVGD: "Class C0". The threonine amino acid residue is found in multiple mammalian species, which suggests that this missense change does not adversely affect protein function. This variant has not been reported in the literature in individuals affected with FDX2-related conditions. The frequency data for this variant in the population databases is considered unreliable, as metrics indicate poor data quality at this position in the gnomAD database. This sequence change replaces alanine, which is neutral and non-polar, with threonine, which is neutral and polar, at codon 22 of the FDX2 protein (p.Ala22Thr).

NM_001397406.1(FDX2):c.55G>A (p.Ala19Thr)

Genes: FDX2 (ferredoxin 2; minus strand), FDX2-ZGLP1 (FDX2-ZGLP1 readthrough (NMD candidate); minus strand). Cytogenetic location: 19p13.2.
Variant type: single nucleotide variant.
Coding change: c.55G>A on transcript NM_001397406.1 (MANE Select); coding-DNA position 55, G replaced by A.
Protein change: p.Ala19Thr; replaces alanine 19 with threonine.
Molecular consequence: missense variant.
Genome position (GRCh38, 1-based): chr19:10,315,942, C>T on the plus strand (G>A on the coding strand, the complement: FDX2 is on the minus strand). VCF-style: chr19-10315942-C-T. GRCh37 (hg19) VCF-style: chr19-10426618-C-T.
Other names: c.64G>A, p.Ala22Thr (NM_001031734.4); short protein forms A19T, A22T.
Identifiers: ClinVar variation 1956415 (VCV001956415.5), dbSNP rs773058974, ClinGen allele CA9191364.